The following is an entry in ClinVar:

NM_018112.3(TMEM38B):c.661-8del

Gene: TMEM38B (transmembrane protein 38B; plus strand). Cytogenetic location: 9q31.2.
Variant type: Deletion.
Coding change: c.661-8del on transcript NM_018112.3 (MANE Select); 8 bases into the intron before coding-DNA position 661, one base deleted (T; older notation c.661-8delT).
Molecular consequence: intron variant.
Genome position (GRCh38, 1-based): chr9:105,773,857, T deleted; the last of 6 consecutive T bases (chr9:105,773,852-105,773,857); deleting any one gives the same sequence. VCF-style (leftmost placement, unchanged base first): chr9-105773851-CT-C. GRCh37 (hg19) VCF-style: chr9-108536132-CT-C.
Other names: c.661-8delT (NM_018112.2).
Identifiers: ClinVar variation 931131 (VCV000931131.5), dbSNP rs751973432, ClinGen allele CA5170982.

ClinVar aggregate classification (germline): Uncertain significance. Review status: criteria provided, single submitter (1 of 4 stars). 2 submissions from 2 submitters: Uncertain significance (1). 1 of the submissions does not count toward it. Last evaluated 2019-05-15.

Conditions:
Osteogenesis imperfecta type 14. Also called: OI, TYPE XIV; Osteogenesis imperfecta, type xiv. Identifiers: Orphanet 666, MedGen C3554428, MONDO:0014029, OMIM 615066.
TMEM38B-related disorder. Also called: TMEM38B-related condition.

Submissions (2):

Centre for Mendelian Genomics, University Medical Centre Ljubljana
Classification: Uncertain significance for Osteogenesis imperfecta type 14. Last evaluated: 2019-05-15. Review status: criteria provided, single submitter. Criteria: ACMG Guidelines, 2015. Collection method: clinical testing. Allele origin: unknown. Affected: yes.
Comment: This variant was classified as: Uncertain significance. The available evidence on this variant's pathogenicity is insufficient or conflicting. The following ACMG criteria were applied in classifying this variant: BP4.

PreventionGenetics, part of Exact Sciences
Classification: Likely benign for TMEM38B-related condition. Last evaluated: 2023-08-03. Review status: no assertion criteria provided. Collection method: clinical testing. Allele origin: germline. Not counted in ClinVar's aggregate classification.
Comment: This variant is classified as likely benign based on ACMG/AMP sequence variant interpretation guidelines (Richards et al. 2015 PMID: 25741868, with internal and published modifications).